The following is an entry in ClinVar:

ClinVar aggregate classification (germline): Benign. Review status: criteria provided, single submitter (1 of 4 stars). 2 submissions from 2 submitters: Benign (1). 1 of the submissions does not count toward it. Last evaluated 2025-12-26.

Conditions:
CAPN1-related disorder. Also called: CAPN1-related condition.

Allele frequency attached by ClinVar (database versions not stated): ESP Exome Variant Server 0.00032; gnomAD exomes 0.00055 and 0.00246; gnomAD 0.00101 and 0.00140; TOPMed 0.00128; ExAC 0.00263; 1000 Genomes Project 30x 0.00812; 1000 Genomes Project 0.00879.
gnomAD v4.1: 1,167 of 1,612,826 alleles (0.072%); highest among the groups gnomAD compares: East Asian, 1.7%; 24 homozygotes.

Submissions (2):

Labcorp Genetics (formerly Invitae), Labcorp
Classification: Benign. Last evaluated: 2025-12-26. Review status: criteria provided, single submitter. Criteria: Invitae Variant Classification Sherloc (09022015). Collection method: clinical testing. Allele origin: germline.

PreventionGenetics, part of Exact Sciences
Classification: Benign for CAPN1-related condition. Last evaluated: 2021-11-13. Review status: no assertion criteria provided. Collection method: clinical testing. Allele origin: germline. Not counted in ClinVar's aggregate classification.
Comment: This variant is classified as benign based on ACMG/AMP sequence variant interpretation guidelines (Richards et al. 2015 PMID: 25741868, with internal and published modifications).

NM_005186.4(CAPN1):c.2026G>A (p.Val676Ile)

Genes: CAPN1 (calpain 1; plus strand), LOC126861236 (P300/CBP strongly-dependent group 1 enhancer GRCh37_chr11:64976880-64978079; plus strand). Cytogenetic location: 11q13.1.
Variant type: single nucleotide variant.
Coding change: c.2026G>A on transcript NM_005186.4 (MANE Select); coding-DNA position 2026, G replaced by A.
Protein change: p.Val676Ile; replaces valine 676 with isoleucine.
Molecular consequence: missense variant. On other transcripts: non-coding transcript variant (1).
Genome position (GRCh38, 1-based): chr11:65,210,419, G>A. VCF-style: chr11-65210419-G-A. GRCh37 (hg19) VCF-style: chr11-64977890-G-A.
Other names: c.2026G>A, p.Val676Ile (NM_001198868.2, NM_001198869.2); short protein forms V676I.
Identifiers: ClinVar variation 726977 (VCV000726977.12), dbSNP rs17884773, ClinGen allele CA6093666.
Genomic context (GRCh38, chr11:65,210,419, plus strand): 5'-TACGAGCTCATCATCACCCGCTACTCGGAGCCCGACCTGGCGGTCGACTTTGACAATTTC[G>A]TTTGCTGCCTGGTGCGGCTAGAGACCATGTTCCGTGAGTGTCCCCAACTGCCTCCCACCC-3'
Protein context (NP_005177.2, residues 666-686): PDLAVDFDNF[Val676Ile]CCLVRLETMF